The following is an entry in ClinVar:

ClinVar aggregate classification (germline): Uncertain significance (1 of 4 stars; one submission).

Conditions:
Developmental and epileptic encephalopathy, 2 (DEE2). Also called: INFANTILE SPASM SYNDROME, X-LINKED 2; CDKL5 deficiency disorder. Identifiers: Orphanet 1934, Orphanet 3451, Orphanet 505652, MedGen C4750718, MONDO:0010396, OMIM 300672.
Angelman syndrome-like. Identifiers: MedGen CN128785.

Submission:

Labcorp Genetics (formerly Invitae), Labcorp
Classification: Uncertain significance for Developmental and epileptic encephalopathy, 2; Angelman syndrome-like. Last evaluated: 2025-11-18. Review status: criteria provided, single submitter. Criteria: Invitae Variant Classification Sherloc (09022015). Collection method: clinical testing. Allele origin: germline.
Comment: This sequence change creates a premature translational stop signal (p.Gln992*) in the CDKL5 gene. However, it is currently unclear if variants that occur in this region of the gene cause disease. This variant is not present in population databases (gnomAD no frequency). This variant has not been reported in the literature in individuals affected with CDKL5-related conditions. In summary, the available evidence is currently insufficient to determine the role of this variant in disease. Therefore, it has been classified as a Variant of Uncertain Significance.

NC_000023.11:g.18650586C>T

Genes: CDKL5 (cyclin dependent kinase like 5; plus strand), RS1 (retinoschisin 1; minus strand). Cytogenetic location: Xp22.13.
Variant type: single nucleotide variant.
Molecular consequence: intron variant (on NM_000330.4). On other transcripts: nonsense (2).
Genome position: GRCh38 VCF-style: chrX-18650586-C-T. GRCh37 (hg19) VCF-style: chrX-18668706-C-T.
Other names: c.2974C>T, p.Gln992Ter (NM_001037343.2, NM_003159.3); c.185-3254G>A (NM_000330.4); short protein forms Q992*.
Identifiers: ClinVar variation 4786677 (VCV004786677.1).